The following is an entry in ClinVar:

ClinVar aggregate classification (germline): Benign. Review status: criteria provided, multiple submitters, no conflicts (2 of 4 stars). 3 submissions from 3 submitters: Benign (3). Last evaluated 2024-01-24.

Allele frequency attached by ClinVar (database versions not stated): TOPMed 0.43830; gnomAD 0.44733 and 0.45184; 1000 Genomes Project 30x 0.46065; 1000 Genomes Project 0.46126.
gnomAD v4.1: 446,763 of 1,010,280 alleles (44%); highest among the groups gnomAD compares: South Asian, 64%; 101,463 homozygotes.

Submissions (3):

Unidad de Genómica Garrahan, Hospital de Pediatría Garrahan
Classification: Benign. Last evaluated: 2024-01-24. Review status: criteria provided, single submitter. Criteria: ACMG Guidelines, 2015. Collection method: clinical testing. Allele origin: germline. Affected: no. Observed: 60 variant alleles.
Comment: This variant is classified as Benign based on local population frequency. This variant was detected in 68% of patients studied by a panel of primary immunodeficiencies. Number of patients: 60. Only high quality variants are reported.

GeneDx
Classification: Benign. Last evaluated: 2021-05-14. Review status: criteria provided, single submitter. Criteria: GeneDx Variant Classification Process June 2021. Collection method: clinical testing. Allele origin: germline. Affected: yes.

Breakthrough Genomics
Classification: Benign. Review status: criteria provided, single submitter. Criteria: ACMG Guidelines, 2015. Collection method: not provided. Allele origin: germline. Inheritance: Autosomal dominant inheritance. Affected: yes.

NM_002661.5(PLCG2):c.-47-62C>G

Gene: PLCG2 (phospholipase C gamma 2; plus strand). Cytogenetic location: 16q23.3.
Variant type: single nucleotide variant.
Coding change: c.-47-62C>G on transcript NM_002661.5 (MANE Select); 62 bases into the intron before 47 bases upstream of the start codon, C replaced by G.
Molecular consequence: intron variant.
Genome position (GRCh38, 1-based): chr16:81,785,881, C>G. VCF-style: chr16-81785881-C-G. GRCh37 (hg19) VCF-style: chr16-81819486-C-G.
Identifiers: ClinVar variation 1266240 (VCV001266240.5), dbSNP rs4354929, ClinGen allele CA14288022.